The following is an entry in ClinVar:

ClinVar aggregate classification (germline): Conflicting classifications of pathogenicity. Review status: criteria provided, conflicting classifications (1 of 4 stars). 2 submissions from 2 submitters: Uncertain significance (1); Likely benign (1). Last evaluated 2024-10-24.

Allele frequency attached by ClinVar (database versions not stated): gnomAD 0.00001; gnomAD exomes 0.00001; TOPMed 0.00001.
gnomAD v4.1: 20 of 1,598,530 alleles (0.0013%); highest among the groups gnomAD compares: Admixed American, 0.0017%; no homozygotes.

Submissions (2):

GeneDx
Classification: Uncertain significance. Last evaluated: 2024-10-24. Review status: criteria provided, single submitter. Criteria: GeneDx Variant Classification Process June 2021. Collection method: clinical testing. Allele origin: germline. Affected: yes.
Comment: In silico analysis indicates that this variant does not alter splicing; Has not been previously published as pathogenic or benign to our knowledge

Labcorp Genetics (formerly Invitae), Labcorp
Classification: Likely benign. Last evaluated: 2023-04-22. Review status: criteria provided, single submitter. Criteria: Invitae Variant Classification Sherloc (09022015). Collection method: clinical testing. Allele origin: germline.

NM_001128840.3(CACNA1D):c.2340A>G (p.Lys780=)

Gene: CACNA1D (calcium voltage-gated channel subunit alpha1 D; plus strand). Cytogenetic location: 3p21.1.
Variant type: single nucleotide variant.
Coding change: c.2340A>G on transcript NM_001128840.3 (MANE Select); coding-DNA position 2340, A replaced by G.
Protein change: p.Lys780=; no amino-acid change (lysine 780 retained).
Molecular consequence: synonymous variant.
Genome position (GRCh38, 1-based): chr3:53,731,080, A>G. VCF-style: chr3-53731080-A-G. GRCh37 (hg19) VCF-style: chr3-53765107-A-G.
Other names: c.2400A>G, p.Lys800= (NM_000720.4); c.2340A>G, p.Lys780= (NM_001128839.3); c.2400A>G (NM_000720.2).
Identifiers: ClinVar variation 2989130 (VCV002989130.4), dbSNP rs953240164, ClinGen allele CA74852686.